The following is an entry in ClinVar:

ClinVar aggregate classification (germline): Uncertain significance (1 of 4 stars; one submission).

Conditions:
Progressive myoclonic epilepsy. Also called: Familial progressive myoclonic epilepsy; Progressive myoclonus epilepsy; Myoclonus epilepsy; Myoclonic Epilepsies, Progressive. Identifiers: Orphanet 308, Orphanet 98261, MedGen C0751778, MONDO:0020074.

Submission:

Labcorp Genetics (formerly Invitae), Labcorp
Classification: Uncertain significance for Progressive myoclonic epilepsy. Last evaluated: 2018-08-07. Review status: criteria provided, single submitter. Criteria: Invitae Variant Classification Sherloc (09022015). Collection method: clinical testing. Allele origin: germline.
Comment: Experimental studies and prediction algorithms are not available for this variant, and the functional significance of the deleted amino acids is currently unknown. This variant, c.4_39del, results in the deletion of 12 amino acids of the EPM2A protein (p.Arg2_Val13del), but otherwise preserves the integrity of the reading frame. While this variant is not present in population databases, the frequency information is unreliable, as metrics indicate poor data quality at this position in the ExAC database. This variant has not been reported in the literature in individuals with EPM2A-related disease. In summary, the available evidence is currently insufficient to determine the role of this variant in disease. Therefore, it has been classified as a Variant of Uncertain Significance.

NM_005670.4(EPM2A):c.4_39del (p.Arg2_Val13del)

Genes: EPM2A (EPM2A glucan phosphatase, laforin; minus strand), EPM2A-DT (EPM2A divergent transcript; plus strand), LOC129997381 (ATAC-STARR-seq lymphoblastoid silent region 17642; plus strand). Cytogenetic location: 6q24.3.
Variant type: Deletion.
Coding change: c.4_39del on transcript NM_005670.4 (MANE Select); coding-DNA positions 4 to 39, 36 bases deleted.
Protein change: p.Arg2_Val13del.
Molecular consequence: inframe deletion, initiator codon variant. On other transcripts: 5 prime UTR variant (3), intron variant (1).
Genome position (GRCh38, 1-based): chr6:145,735,460-145,735,495, 36 bases deleted; deleting any 36 consecutive bases within chr6:145,735,460-145,735,497 gives the same sequence; the c. name uses the placement nearest the transcript's 3' end. GRCh37 (hg19): chr6:146,056,598-146,056,633.
Other names: c.4_39del, p.Arg2_Val13del (NM_001018041.2, NM_001360057.2, NM_001368130.1); c.-666_-631del (NM_001360071.2); c.-620_-585del (NM_001368129.2); c.-364_-329del (NM_001368131.1); c.-114+413_-114+448del (NM_001360064.2).
Identifiers: ClinVar variation 653916 (VCV000653916.9), dbSNP rs1583157261, ClinGen allele CA915944445.